The following is an entry in ClinVar:

ClinVar aggregate classification (germline): Conflicting classifications of pathogenicity. Review status: criteria provided, conflicting classifications (1 of 4 stars). 2 submissions from 2 submitters: Uncertain significance (1); Likely benign (1). Last evaluated 2023-03-23.

Conditions:
Hereditary cancer-predisposing syndrome. Also called: Tumor predisposition; Hereditary neoplastic syndrome; Neoplastic Syndromes, Hereditary; Hereditary Cancer Syndrome. Identifiers: Orphanet 140162, MedGen C0027672, MeSH D009386, MONDO:0015356.
Hereditary breast ovarian cancer syndrome. Also called: BRCA1- and BRCA2-Associated Hereditary Breast and Ovarian Cancer; Hereditary breast and ovarian cancer; Hereditary breast and ovarian cancer syndrome; Breast and ovarian cancer; Hereditary breast and/or ovarian cancer syndrome; Hereditary breast and ovarian cancer syndrome (HBOC). Identifiers: Orphanet 145, MedGen C0677776, MeSH D061325, MONDO:0003582. Disease mechanism: loss of function.

Allele frequency attached by ClinVar (database versions not stated): gnomAD 0.00001; TOPMed 0.00001.
gnomAD v4.1: 1 of 1,614,108 alleles (0.000062%); highest among the groups gnomAD compares: Non-Finnish European, 0.000085%; no homozygotes.

Submissions (2):

University of Washington Department of Laboratory Medicine, University of Washington
Classification: Likely benign for Hereditary cancer-predisposing syndrome. Last evaluated: 2023-03-23. Review status: criteria provided, single submitter. Criteria: Dines et al. (Genet Med. 2020). Collection method: curation. Allele origin: germline.
Comment: Missense variant in a coldspot region where missense variants are very unlikely to be pathogenic (PMID:31911673).

BRCA1 coldspot (exon 11 using historical exon numbering). Reclassification based on statistical prior probability

Labcorp Genetics (formerly Invitae), Labcorp
Classification: Uncertain significance for Hereditary breast ovarian cancer syndrome. Last evaluated: 2020-02-06. Review status: criteria provided, single submitter. Criteria: Invitae Variant Classification Sherloc (09022015). Collection method: clinical testing. Allele origin: germline.
Comment: In summary, the available evidence is currently insufficient to determine the role of this variant in disease. Therefore, it has been classified as a Variant of Uncertain Significance. Algorithms developed to predict the effect of missense changes on protein structure and function output the following: SIFT: "Tolerated"; PolyPhen-2: "Benign"; Align-GVGD: "Class C0". The serine amino acid residue is found in multiple mammalian species, suggesting that this missense change does not adversely affect protein function. These predictions have not been confirmed by published functional studies and their clinical significance is uncertain. This variant has not been reported in the literature in individuals with BRCA1-related conditions. This variant is not present in population databases (ExAC no frequency). This sequence change replaces cysteine with serine at codon 1225 of the BRCA1 protein (p.Cys1225Ser). The cysteine residue is moderately conserved and there is a moderate physicochemical difference between cysteine and serine.

NM_007294.4(BRCA1):c.3673T>A (p.Cys1225Ser)

Genes: BRCA1 (BRCA1 DNA repair associated; minus strand), LOC126862571 (BRD4-independent group 4 enhancer GRCh37_chr17:41243136-41244335; plus strand). Cytogenetic location: 17q21.31.
Variant type: single nucleotide variant.
Coding change: c.3673T>A on transcript NM_007294.4 (MANE Select); coding-DNA position 3673, T replaced by A.
Protein change: p.Cys1225Ser; replaces cysteine 1225 with serine.
Molecular consequence: missense variant. On other transcripts: intron variant (135).
Genome position (GRCh38, 1-based): chr17:43,091,858, A>T on the plus strand (T>A on the coding strand, the complement: BRCA1 is on the minus strand). VCF-style: chr17-43091858-A-T. GRCh37 (hg19) VCF-style: chr17-41243875-A-T.
Other names: c.3460T>A, p.Cys1154Ser (NM_001407571.1, NM_001407853.1, NM_001407894.1 and 9 more transcripts); c.3673T>A, p.Cys1225Ser (NM_001407581.1, NM_001407582.1, NM_001407583.1 and 30 more transcripts); c.3670T>A, p.Cys1224Ser (NM_001407587.1, NM_001407590.1, NM_001407591.1 and 22 more transcripts); c.3664T>A, p.Cys1222Ser (NM_001407646.1, NM_001407647.1); c.3550T>A, p.Cys1184Ser (NM_001407648.1, NM_001407664.1, NM_001407665.1 and 19 more transcripts); c.3547T>A, p.Cys1183Ser (NM_001407649.1, NM_001407670.1, NM_001407671.1 and 11 more transcripts); c.3595T>A, p.Cys1199Ser (NM_001407653.1, NM_001407654.1, NM_001407655.1 and 4 more transcripts); c.3592T>A, p.Cys1198Ser (NM_001407659.1, NM_001407660.1, NM_001407661.1 and 1 more transcripts); and 41 more; short protein forms C1178S, C1225S, C1097S, C1113S, C1198S, C1199S, C1222S, C1224S.
Identifiers: ClinVar variation 1009310 (VCV001009310.20), dbSNP rs1382025345, ClinGen allele CA10594624.